The following is an entry in ClinVar:

ClinVar aggregate classification (germline): Benign (1 of 4 stars; one submission).

Conditions:
Leigh syndrome (NULS). Also called: Leigh's necrotizing encephalopathy; Leigh's disease; Leigh Syndrome (mtDNA deletion); Leigh Disease; Subacute necrotizing encephalopathy; Necrotizing encephalopathy infantile subacute of Leigh. Identifiers: Orphanet 506, MedGen C2931891, MONDO:0009723, OMIM 256000.

Submission:

Wong Mito Lab, Molecular and Human Genetics, Baylor College of Medicine
Classification: Benign for Leigh syndrome. Last evaluated: 2019-10-17. Review status: criteria provided, single submitter. Criteria: Modified ACMG Guidelines (Unpublished). Collection method: clinical testing. Allele origin: germline.
Comment: The NC_012920.1:m.12425A>G (YP_003024036.1:p.Asn30Ser) variant in MTND5 gene is interpretated to be a Benign variant based on the modified ACMG guidelines (unpublished). This variant meets the following evidence codes: BS1, BS4, BP4

NC_012920.1(MT-ND5):m.12425A>G

Gene: MT-ND5 (mitochondrially encoded NADH dehydrogenase 5; plus strand).
Variant type: single nucleotide variant.
Genome position: chrM-12425-A-G.
Identifiers: ClinVar variation 693439 (VCV000693439.1), dbSNP rs1603223735, ClinGen allele CA414813095.